The following is an entry in ClinVar:

ClinVar aggregate classification (germline): Uncertain significance (1 of 4 stars; one submission).

Conditions:
Rubinstein-Taybi syndrome due to EP300 haploinsufficiency. Also called: EP300-Related Rubinstein-Taybi Syndrome; RUBINSTEIN-TAYBI SYNDROME 2. Identifiers: Orphanet 353284, Orphanet 783, MedGen C3150941, MONDO:0013364, OMIM 613684.

Submission:

Labcorp Genetics (formerly Invitae), Labcorp
Classification: Uncertain significance for Rubinstein-Taybi syndrome due to EP300 haploinsufficiency. Last evaluated: 2025-10-01. Review status: criteria provided, single submitter. Criteria: Invitae Variant Classification Sherloc (09022015). Collection method: clinical testing. Allele origin: germline.
Comment: This sequence change replaces methionine, which is neutral and non-polar, with valine, which is neutral and non-polar, at codon 2175 of the EP300 protein (p.Met2175Val). This variant is not present in population databases (gnomAD no frequency). This variant has not been reported in the literature in individuals affected with EP300-related conditions. ClinVar contains an entry for this variant (Variation ID: 2746707). Invitae Evidence Modeling of protein sequence and biophysical properties (such as structural, functional, and spatial information, amino acid conservation, physicochemical variation, residue mobility, and thermodynamic stability) indicates that this missense variant is not expected to disrupt EP300 protein function with a negative predictive value of 80%. In summary, the available evidence is currently insufficient to determine the role of this variant in disease. Therefore, it has been classified as a Variant of Uncertain Significance.

NM_001429.4(EP300):c.6523A>G (p.Met2175Val)

Gene: EP300 (EP300 lysine acetyltransferase; plus strand). Cytogenetic location: 22q13.2.
Variant type: single nucleotide variant.
Coding change: c.6523A>G on transcript NM_001429.4 (MANE Select); coding-DNA position 6523, A replaced by G.
Protein change: p.Met2175Val; replaces methionine 2175 with valine.
Molecular consequence: missense variant.
Genome position (GRCh38, 1-based): chr22:41,178,234, A>G. VCF-style: chr22-41178234-A-G. GRCh37 (hg19) VCF-style: chr22-41574238-A-G.
Other names: c.6445A>G, p.Met2149Val (NM_001362843.2); short protein forms M2149V, M2175V.
Identifiers: ClinVar variation 2746707 (VCV002746707.3), dbSNP rs758104803, ClinGen allele CA411682157.
Genomic context (GRCh38, chr22:41,178,234, plus strand): 5'-CAGCCACCCATGGGAGGGATGAGCCCCCAGGCTCAGCAGATGAACATGAACCACAACACC[A>G]TGCCTTCACAATTCCGAGACATCTTGAGACGACAGCAAATGATGCAACAGCAGCAGCAAC-3'
Protein context (NP_001420.2, residues 2165-2185): AQQMNMNHNT[Met2175Val]PSQFRDILRR